The following is an entry in ClinVar:

ClinVar aggregate classification (germline): Likely pathogenic. Review status: criteria provided, single submitter (1 of 4 stars). 3 submissions from 2 submitters: Likely pathogenic (1). 2 of the submissions do not count toward it. Last evaluated 2022-02-28.

Conditions:
APOLIPOPROTEIN C-II (PADOVA).
Familial apolipoprotein C-II deficiency. Also called: APOC2 DEFICIENCY; C-II ANAPOLIPOPROTEINEMIA; HYPERLIPOPROTEINEMIA, TYPE IB. Identifiers: Orphanet 309020, Orphanet 444490, MedGen C1720779, MONDO:0008810, OMIM 207750.

gnomAD v4.1: 1 of 1,613,962 alleles (0.000062%); highest among the groups gnomAD compares: Non-Finnish European, 0.000085%; no homozygotes.

Submissions (3):

GeneDx
Classification: Likely pathogenic. Last evaluated: 2022-02-28. Review status: criteria provided, single submitter. Criteria: GeneDx Variant Classification Process June 2021. Collection method: clinical testing. Allele origin: germline. Affected: yes.
Comment: Not observed at significant frequency in large population cohorts (gnomAD); Nonsense variant predicted to result in protein truncation as the last 43 amino acids are lost, and other loss-of-function variants have been reported downstream in HGMD; This variant is associated with the following publications: (PMID: 25525159, 2477392, 3944267)

OMIM
Classification: Pathogenic for APOLIPOPROTEIN C-II (PADOVA). Last evaluated: 1994-08-01. Review status: no assertion criteria provided. Collection method: literature only. Allele origin: germline. Not counted in ClinVar's aggregate classification.

OMIM
Classification: Pathogenic for HYPERLIPOPROTEINEMIA, TYPE IB. Last evaluated: 1994-08-01. Review status: no assertion criteria provided. Collection method: literature only. Allele origin: germline. Not counted in ClinVar's aggregate classification.

Literature cited by the submitters: PubMed 3944267 (cited by OMIM); PubMed 2477392 (cited by OMIM); PubMed 7815420 (cited by OMIM).

NM_000483.5(APOC2):c.177C>A (p.Tyr59Ter)

Genes: APOC4-APOC2 (APOC4-APOC2 readthrough (NMD candidate); plus strand), APOC2 (apolipoprotein C2; plus strand). Cytogenetic location: 19q13.32.
Variant type: single nucleotide variant.
Coding change: c.177C>A on transcript NM_000483.5 (MANE Select); coding-DNA position 177, C replaced by A.
Protein change: p.Tyr59Ter; replaces tyrosine 59 with a stop codon.
Molecular consequence: nonsense. On other transcripts: non-coding transcript variant (1).
Genome position (GRCh38, 1-based): chr19:44,948,822, C>A. VCF-style: chr19-44948822-C-A. GRCh37 (hg19) VCF-style: chr19-45452079-C-A.
Other names: Y37*; Padova; short protein forms Y59*.
Identifiers: ClinVar variation 2574 (VCV000002574.3), dbSNP rs120074111, ClinGen allele CA115616.